The following is an entry in ClinVar:

ClinVar aggregate classification (germline): Pathogenic (1 of 4 stars; one submission).

Submission:

ISCA site 4
Classification: Pathogenic. Last evaluated: 2011-08-12. Review status: criteria provided, single submitter. Criteria: Kaminsky et al. (Genet Med. 2011). Collection method: clinical testing. Allele origin: unknown. Affected: yes. Observed: 1 variant allele.
Comment: Copy number variation identified through the course of routine clinical cytogenomic testing in postnatal populations. Clinical assertions have been curated as described in Kaminsky et al. 2011.

GRCh38/hg38 2q37.1-37.3(chr2:231770279-242126245)x1

Genes: ACKR3 (atypical chemokine receptor 3; plus strand), AGAP1 (ArfGAP with GTPase domain, ankyrin repeat and PH domain 1; plus strand), AGAP1-IT1 (AGAP1 intronic transcript 1; plus strand), AGXT (alanine--glyoxylate aminotransferase; plus strand), ALPG (alkaline phosphatase, germ cell; plus strand) and 452 more. Cytogenetic location: 2q37.1-37.3.
Variant type: copy number loss.
Change: copy number 1 (one copy instead of two) of chr2:231,770,279-242,126,245 (10.36 Mb, GRCh38 coordinates, 1-based), cytogenetic band 2q37.1-37.3.
Identifiers: ClinVar variation 161051 (VCV000161051.1).